The following is an entry in ClinVar:

ClinVar aggregate classification (germline): Likely benign (1 of 4 stars; one submission).

gnomAD v4.1: 3,823 of 1,597,164 alleles (0.24%); highest among the groups gnomAD compares: Non-Finnish European, 0.27%; 10 homozygotes.

Submission:

CeGaT Center for Human Genetics Tuebingen
Classification: Likely benign. Last evaluated: 2025-07-01. Review status: criteria provided, single submitter. Criteria: CeGaT Center For Human Genetics Tuebingen Variant Classification Criteria Version 2. Collection method: clinical testing. Allele origin: germline. Affected: yes. Observed: 4 variant alleles.
Comment: MAST4: BP4

NM_001164664.2(MAST4):c.7487C>A (p.Ala2496Asp)

Gene: MAST4 (microtubule associated serine/threonine kinase family member 4; plus strand). Cytogenetic location: 5q12.3.
Variant type: single nucleotide variant.
Coding change: c.7487C>A on transcript NM_001164664.2 (MANE Select); coding-DNA position 7487, C replaced by A.
Protein change: p.Ala2496Asp; replaces alanine 2496 with aspartic acid.
Molecular consequence: missense variant.
Genome position (GRCh38, 1-based): chr5:67,166,666, C>A. VCF-style: chr5-67166666-C-A. GRCh37 (hg19) VCF-style: chr5-66462494-C-A.
Other names: c.6869C>A, p.Ala2290Asp (NM_001290226.2); c.6704C>A, p.Ala2235Asp (NM_001290227.2, NM_001393527.1); c.6905C>A, p.Ala2302Asp (NM_001297651.2); c.7496C>A, p.Ala2499Asp (NM_001393524.1); c.7286C>A, p.Ala2429Asp (NM_001393525.1); c.6719C>A, p.Ala2240Asp (NM_001393526.1); c.6683C>A, p.Ala2228Asp (NM_001393528.1); c.6920C>A, p.Ala2307Asp (NM_015183.3); short protein forms A2228D, A2235D, A2240D, A2290D, A2302D, A2307D, A2429D, A2496D.
Identifiers: ClinVar variation 3777803 (VCV003777803.7).
Genomic context (GRCh38, chr5:67,166,666, plus strand): 5'-CTGCAGCCAGCAGCGACACCTCTTCTGCCAAGGCCGCCGGGGGCATGCTGGAGCTTCCAG[C>A]CCCCAGCAACAGGGACCATAGGAAGGCTCAGCCTGCCGGGGAGGGCCGAACCCACATGAC-3'
Protein context (NP_001158136.1, residues 2486-2506): KAAGGMLELP[Ala2496Asp]PSNRDHRKAQ